The following is an entry in ClinVar:

ClinVar aggregate classification (germline): Uncertain significance (1 of 4 stars; one submission).

Submission:

Labcorp Genetics (formerly Invitae), Labcorp
Classification: Uncertain significance. Last evaluated: 2023-11-17. Review status: criteria provided, single submitter. Criteria: Invitae Variant Classification Sherloc (09022015). Collection method: clinical testing. Allele origin: germline.
Comment: This sequence change replaces threonine, which is neutral and polar, with lysine, which is basic and polar, at codon 538 of the MKL1 protein (p.Thr538Lys). This variant is not present in population databases (gnomAD no frequency). This variant has not been reported in the literature in individuals affected with MKL1-related conditions. ClinVar contains an entry for this variant (Variation ID: 1683017). An algorithm developed to predict the effect of missense changes on protein structure and function (PolyPhen-2) suggests that this variant is likely to be disruptive. In summary, the available evidence is currently insufficient to determine the role of this variant in disease. Therefore, it has been classified as a Variant of Uncertain Significance.

NM_020831.6(MRTFA):c.1913C>A (p.Thr638Lys)

Gene: MRTFA (myocardin related transcription factor A; minus strand). Cytogenetic location: 22q13.1.
Variant type: single nucleotide variant.
Coding change: c.1913C>A on transcript NM_020831.6 (MANE Select); coding-DNA position 1913, C replaced by A.
Protein change: p.Thr638Lys; replaces threonine 638 with lysine.
Molecular consequence: missense variant.
Genome position (GRCh38, 1-based): chr22:40,418,825, G>T on the plus strand (C>A on the coding strand, the complement: MRTFA is on the minus strand). VCF-style: chr22-40418825-G-T. GRCh37 (hg19) VCF-style: chr22-40814829-G-T.
Other names: c.1613C>A, p.Thr538Lys (NM_001282660.2); c.1763C>A, p.Thr588Lys (NM_001282661.3); c.1913C>A, p.Thr638Lys (NM_001282662.3); c.1718C>A, p.Thr573Lys (NM_001318139.2); short protein forms T538K, T573K, T588K, T638K.
Identifiers: ClinVar variation 1683017 (VCV001683017.8), dbSNP rs764365801, ClinGen allele CA324467657.